The following is an entry in ClinVar:

ClinVar aggregate classification (germline): Uncertain significance (1 of 4 stars; one submission).

Submission:

GeneDx
Classification: Uncertain significance. Last evaluated: 2024-07-22. Review status: criteria provided, single submitter. Criteria: GeneDx Variant Classification Process June 2021. Collection method: clinical testing. Allele origin: germline. Affected: yes.
Comment: Not observed at significant frequency in large population cohorts (gnomAD); In silico analysis supports that this missense variant has a deleterious effect on protein structure/function; Has not been previously published as pathogenic or benign to our knowledge

NM_001348323.3(TRIP12):c.554G>A (p.Gly185Asp)

Gene: TRIP12 (thyroid hormone receptor interactor 12; minus strand). Cytogenetic location: 2q36.3.
Variant type: single nucleotide variant.
Coding change: c.554G>A on transcript NM_001348323.3 (MANE Select); coding-DNA position 554, G replaced by A.
Protein change: p.Gly185Asp; replaces glycine 185 with aspartic acid.
Molecular consequence: missense variant. On other transcripts: intron variant (1).
Genome position (GRCh38, 1-based): chr2:229,859,245, C>T on the plus strand (G>A on the coding strand, the complement: TRIP12 is on the minus strand). VCF-style: chr2-229859245-C-T. GRCh37 (hg19) VCF-style: chr2-230723961-C-T.
Other names: c.554G>A, p.Gly185Asp (NM_001284214.2, NM_001348315.2, NM_001348319.1 and 15 more transcripts); c.428G>A, p.Gly143Asp (NM_001284215.2, NM_001348316.2, NM_001348317.1 and 3 more transcripts); c.98+20737G>A (NM_001284216.2); short protein forms G143D, G185D.
Identifiers: ClinVar variation 3600928 (VCV003600928.1).
Genomic context (GRCh38, chr2:229,859,245, plus strand): 5'-GACCCGGAGCCACTCTTTACACAAGAACTCTCTGTCCTTTTTCTTTTCTGACTCCGTGAA[C>T]CGCCAGTGGCCCCACTCTTCCTGGTATGAGCCTTGCTTGTTGATGGTGATTGTGCAGATT-3'
Protein context (NP_001335252.1, residues 175-195): AHTRKSGATG[Gly185Asp]SRSQKRKRTE